The following is an entry in ClinVar:

ClinVar aggregate classification (germline): Uncertain significance (1 of 4 stars; one submission).

Conditions:
PLXNA2-related disorder. Also called: PLXNA2-related condition.

Allele frequency attached by ClinVar (database versions not stated): gnomAD exomes below 0.00001; ExAC 0.00001; TOPMed 0.00003.
gnomAD v4.1: 8 of 1,613,224 alleles (0.0005%); highest among the groups gnomAD compares: Admixed American, 0.0017%; no homozygotes.

Submission:

PreventionGenetics, part of Exact Sciences
Classification: Uncertain significance for PLXNA2-related condition. Last evaluated: 2023-01-31. Review status: criteria provided, single submitter. Criteria: ACMG Guidelines, 2015. Collection method: clinical testing. Allele origin: germline.
Comment: The PLXNA2 c.4916C>T variant is predicted to result in the amino acid substitution p.Pro1639Leu. To our knowledge, this variant has not been reported in the literature. This variant is reported in 0.0029% of alleles in individuals of Latino descent in gnomAD. At this time, the clinical significance of this variant is uncertain due to the absence of conclusive functional and genetic evidence.

NM_025179.4(PLXNA2):c.4916C>T (p.Pro1639Leu)

Gene: PLXNA2 (plexin A2; minus strand). Cytogenetic location: 1q32.2.
Variant type: single nucleotide variant.
Coding change: c.4916C>T on transcript NM_025179.4 (MANE Select); coding-DNA position 4916, C replaced by T.
Protein change: p.Pro1639Leu; replaces proline 1639 with leucine.
Molecular consequence: missense variant.
Genome position (GRCh38, 1-based): chr1:208,033,458, G>A on the plus strand (C>T on the coding strand, the complement: PLXNA2 is on the minus strand). VCF-style: chr1-208033458-G-A. GRCh37 (hg19) VCF-style: chr1-208206803-G-A.
Other names: short protein forms P1639L.
Identifiers: ClinVar variation 2635976 (VCV002635976.1), dbSNP rs749977479, ClinGen allele CA1372710.